The following is an entry in ClinVar:

ClinVar aggregate classification (germline): Pathogenic/Likely pathogenic. Review status: criteria provided, multiple submitters, no conflicts (2 of 4 stars). 2 submissions from 2 submitters: Pathogenic (1); Likely pathogenic (1). Last evaluated 2023-03-14.

Conditions:
Axenfeld-Rieger syndrome type 3 (RIEG3). Also called: AXENFELD-RIEGER ANOMALY WITH CARDIAC DEFECTS AND/OR SENSORINEURAL HEARING LOSS. Identifiers: Orphanet 782, MedGen C2678503, MONDO:0011233, OMIM 602482.

Submissions (2):

GeneDx
Classification: Likely pathogenic. Last evaluated: 2023-03-14. Review status: criteria provided, single submitter. Criteria: GeneDx Variant Classification Process June 2021. Collection method: clinical testing. Allele origin: germline. Affected: yes.
Comment: Frameshift variant predicted to result in protein truncation, as the last 526 amino acids are replaced with 47 different amino acids, and other loss-of-function variants have been reported downstream in HGMD; Not observed at significant frequency in large population cohorts (gnomAD); Has not been previously published as pathogenic or benign to our knowledge

Labcorp Genetics (formerly Invitae), Labcorp
Classification: Pathogenic for Axenfeld-Rieger syndrome type 3. Last evaluated: 2020-03-06. Review status: criteria provided, single submitter. Criteria: Invitae Variant Classification Sherloc (09022015). Collection method: clinical testing. Allele origin: germline.
Comment: For these reasons, this variant has been classified as Pathogenic. This variant disrupts the C-terminus of the FOXC1 protein. Other variant(s) that disrupt this region (p.Ala381Glyfs*147) have been determined to be pathogenic (PMID: 20881294, 16936096, 11170889). This suggests that variants that disrupt this region of the protein are likely to be causative of disease. This variant has not been reported in the literature in individuals with FOXC1-related conditions. The frequency data for this variant in the population databases is considered unreliable, as metrics indicate insufficient coverage at this position in the ExAC database. This sequence change results in a premature translational stop signal in the FOXC1 gene (p.Ala28Glyfs*48). While this is not anticipated to result in nonsense mediated decay, it is expected to disrupt the last 526 amino acids of the FOXC1 protein.

Literature cited by the submitters: PubMed 20881294 (cited by Labcorp Genetics (formerly Invitae), Labcorp); PubMed 16936096 (cited by Labcorp Genetics (formerly Invitae), Labcorp); PubMed 11170889 (cited by Labcorp Genetics (formerly Invitae), Labcorp).

NM_001453.3(FOXC1):c.81_100del (p.Ala28fs)

Gene: FOXC1 (forkhead box C1; plus strand). Cytogenetic location: 6p25.3.
Variant type: Deletion.
Coding change: c.81_100del on transcript NM_001453.3 (MANE Select); coding-DNA positions 81 to 100, 20 bases deleted (CGCGGCGGCCGCGGCGGCCG).
Protein change: p.Ala28fs; shifts the reading frame from alanine 28.
Molecular consequence: frameshift variant.
Genome position (GRCh38, 1-based): chr6:1,610,526-1,610,545, CGCGGCGGCCGCGGCGGCCG deleted; deleting any 20 consecutive bases within chr6:1,610,523-1,610,545 gives the same sequence; the c. name uses the placement nearest the transcript's 3' end. VCF-style (leftmost placement, unchanged base first): chr6-1610522-ACCGCGCGGCGGCCGCGGCGG-A. GRCh37 (hg19) VCF-style: chr6-1610757-ACCGCGCGGCGGCCGCGGCGG-A.
Other names: c.81_100del (NM_001453.2); short protein forms A28fs.
Identifiers: ClinVar variation 1073152 (VCV001073152.9), dbSNP rs2113110795, ClinGen allele CA2499218183.
Genomic context (GRCh38, chr6:1,610,522, plus strand): 5'-CCGTGTCCAGCCCCAACTCCCTGGGAGTGGTGCCCTACCTCGGCGGCGAGCAGAGCTACT[ACCGCGCGGCGGCCGCGGCGG>A]CCGGGGGCGGCTACACCGCCATGCCGGCCCCCATGAGCGTGTACTCGCACCCTGCGCACG-3'